The following is an entry in ClinVar:

NM_013251.4(TAC3):c.114+229C>T

Gene: TAC3 (tachykinin precursor 3; minus strand). Cytogenetic location: 12q13.3.
Variant type: single nucleotide variant.
Coding change: c.114+229C>T on transcript NM_013251.4 (MANE Select); 229 bases into the intron after coding-DNA position 114, C replaced by T.
Molecular consequence: intron variant.
Genome position (GRCh38, 1-based): chr12:57,015,455, G>A on the plus strand (C>T on the coding strand, the complement: TAC3 is on the minus strand). VCF-style: chr12-57015455-G-A. GRCh37 (hg19) VCF-style: chr12-57409239-G-A.
Other names: c.114+229C>T (NM_001178054.2).
Identifiers: ClinVar variation 677241 (VCV000677241.1), dbSNP rs17119330, ClinGen allele CA237731580.

ClinVar aggregate classification (germline): Benign (1 of 4 stars; one submission).

Allele frequency attached by ClinVar (database versions not stated): gnomAD 0.08891 and 0.09090; TOPMed 0.08989; 1000 Genomes Project 30x 0.11914; 1000 Genomes Project 0.12101.
gnomAD v4.1: 13,779 of 152,112 alleles (9.1%); highest among the groups gnomAD compares: East Asian, 18%; 664 homozygotes.

Submission:

GeneDx
Classification: Benign. Last evaluated: 2018-06-19. Review status: criteria provided, single submitter. Criteria: GeneDx Variant Classification (06012015). Collection method: clinical testing. Allele origin: germline. Affected: yes.
Comment: This variant is considered likely benign or benign based on one or more of the following criteria: it is a conservative change, it occurs at a poorly conserved position in the protein, it is predicted to be benign by multiple in silico algorithms, and/or has population frequency not consistent with disease.